The following is an entry in ClinVar:

ClinVar aggregate classification (germline): Uncertain significance. Review status: criteria provided, multiple submitters, no conflicts (2 of 4 stars). 2 submissions from 2 submitters: Uncertain significance (2). Last evaluated 2025-08-05.

Conditions:
Hereditary cancer-predisposing syndrome. Also called: Hereditary Cancer Syndrome; Hereditary neoplastic syndrome; Tumor predisposition; Neoplastic Syndromes, Hereditary. Identifiers: Orphanet 140162, MedGen C0027672, MeSH D009386, MONDO:0015356.

Submissions (2):

Ambry Genetics
Classification: Uncertain significance for Hereditary cancer-predisposing syndrome. Last evaluated: 2025-08-05. Review status: criteria provided, single submitter. Criteria: Ambry Variant Classification Scheme 2023. Collection method: clinical testing. Allele origin: germline.
Comment: The p.E995D variant (also known as c.2985G>T), located in coding exon 21 of the MSH3 gene, results from a G to T substitution at nucleotide position 2985. The glutamic acid at codon 995 is replaced by aspartic acid, an amino acid with highly similar properties. This amino acid position is conserved. In addition, this alteration is predicted to be deleterious by in silico analysis. Based on the available evidence, the clinical significance of this variant remains unclear.

Labcorp Genetics (formerly Invitae), Labcorp
Classification: Uncertain significance. Last evaluated: 2022-06-18. Review status: criteria provided, single submitter. Criteria: Invitae Variant Classification Sherloc (09022015). Collection method: clinical testing. Allele origin: germline.
Comment: This sequence change replaces glutamic acid, which is acidic and polar, with aspartic acid, which is acidic and polar, at codon 995 of the MSH3 protein (p.Glu995Asp). In summary, the available evidence is currently insufficient to determine the role of this variant in disease. Therefore, it has been classified as a Variant of Uncertain Significance. Algorithms developed to predict the effect of missense changes on protein structure and function (SIFT, PolyPhen-2, Align-GVGD) all suggest that this variant is likely to be tolerated. This variant has not been reported in the literature in individuals affected with MSH3-related conditions. This variant is not present in population databases (gnomAD no frequency).

NM_002439.5(MSH3):c.2985G>T (p.Glu995Asp)

Gene: MSH3 (mutS homolog 3; plus strand). Cytogenetic location: 5q14.1.
Variant type: single nucleotide variant.
Coding change: c.2985G>T on transcript NM_002439.5 (MANE Select); coding-DNA position 2985, G replaced by T.
Protein change: p.Glu995Asp; replaces glutamic acid 995 with aspartic acid.
Molecular consequence: missense variant.
Genome position (GRCh38, 1-based): chr5:80,854,301, G>T. VCF-style: chr5-80854301-G-T. GRCh37 (hg19) VCF-style: chr5-80150120-G-T.
Other names: c.2985G>T (NM_002439.3); short protein forms E995D.
Identifiers: ClinVar variation 1399554 (VCV001399554.9), dbSNP rs1324032838, ClinGen allele CA360275830.